The following is an entry in ClinVar:

ClinVar aggregate classification (germline): Uncertain significance. Review status: criteria provided, multiple submitters, no conflicts (2 of 4 stars). 2 submissions from 2 submitters: Uncertain significance (2). Last evaluated 2026-01-06.

Allele frequency attached by ClinVar (database versions not stated): gnomAD exomes 0.00001; TOPMed 0.00001; ExAC 0.00002.
gnomAD v4.1: 9 of 1,613,342 alleles (0.00056%); highest among the groups gnomAD compares: Non-Finnish European, 0.00076%; no homozygotes.

Submissions (2):

Labcorp Genetics (formerly Invitae), Labcorp
Classification: Uncertain significance. Last evaluated: 2026-01-06. Review status: criteria provided, single submitter. Criteria: Invitae Variant Classification Sherloc (09022015). Collection method: clinical testing. Allele origin: germline.
Comment: This sequence change replaces lysine, which is basic and polar, with glutamic acid, which is acidic and polar, at codon 88 of the GEN1 protein (p.Lys88Glu). This variant is present in population databases (rs757959810, gnomAD 0.003%). This variant has not been reported in the literature in individuals affected with GEN1-related conditions. ClinVar contains an entry for this variant (Variation ID: 1060584). An algorithm developed to predict the effect of missense changes on protein structure and function (PolyPhen-2) suggests that this variant is likely to be disruptive. In summary, the available evidence is currently insufficient to determine the role of this variant in disease. Therefore, it has been classified as a Variant of Uncertain Significance.

Ambry Genetics
Classification: Uncertain significance. Last evaluated: 2024-12-14. Review status: criteria provided, single submitter. Criteria: Ambry Variant Classification Scheme 2023. Collection method: clinical testing. Allele origin: germline.
Comment: The p.K88E variant (also known as c.262A>G), located in coding exon 2 of the GEN1 gene, results from an A to G substitution at nucleotide position 262. The lysine at codon 88 is replaced by glutamic acid, an amino acid with similar properties. This amino acid position is conserved. In addition, the in silico prediction for this alteration is inconclusive. Based on the available evidence, the clinical significance of this variant remains unclear.

NM_001130009.3(GEN1):c.262A>G (p.Lys88Glu)

Gene: GEN1 (GEN1 structure-specific endonuclease; plus strand). Cytogenetic location: 2p24.2.
Variant type: single nucleotide variant.
Coding change: c.262A>G on transcript NM_001130009.3 (MANE Select); coding-DNA position 262, A replaced by G.
Protein change: p.Lys88Glu; replaces lysine 88 with glutamic acid.
Molecular consequence: missense variant.
Genome position (GRCh38, 1-based): chr2:17,761,496, A>G. VCF-style: chr2-17761496-A-G. GRCh37 (hg19) VCF-style: chr2-17942763-A-G.
Other names: c.262A>G, p.Lys88Glu (NM_182625.5); c.262A>G (NM_001130009.1); short protein forms K88E.
Identifiers: ClinVar variation 1060584 (VCV001060584.10), dbSNP rs757959810, ClinGen allele CA1540361.